The following is an entry in ClinVar:

NM_012123.4(MTO1):c.1160C>T (p.Pro387Leu)

Gene: MTO1 (mitochondrial tRNA translation optimization 1; plus strand). Cytogenetic location: 6q13.
Variant type: single nucleotide variant.
Coding change: c.1160C>T on transcript NM_012123.4 (MANE Select); coding-DNA position 1160, C replaced by T.
Protein change: p.Pro387Leu; replaces proline 387 with leucine.
Molecular consequence: missense variant.
Genome position (GRCh38, 1-based): chr6:73,480,705, C>T. VCF-style: chr6-73480705-C-T. GRCh37 (hg19) VCF-style: chr6-74190428-C-T.
Other names: c.1160C>T, p.Pro387Leu (NM_001123226.2); c.1235C>T, p.Pro412Leu (NM_133645.3); short protein forms P387L, P412L.
Identifiers: ClinVar variation 1717382 (VCV001717382.5), dbSNP rs2533281264, ClinGen allele CA364715280.

ClinVar aggregate classification (germline): Uncertain significance (1 of 4 stars; one submission).

Conditions:
Mitochondrial hypertrophic cardiomyopathy with lactic acidosis due to MTO1 deficiency. Also called: Combined oxidative phosphorylation deficiency 10; CARDIOMYOPATHY, INFANTILE HYPERTROPHIC MITOCHONDRIAL, AND LACTIC ACIDOSIS. Identifiers: Orphanet 314637, MedGen C4749921, MONDO:0013865, OMIM 614702.

Submission:

Labcorp Genetics (formerly Invitae), Labcorp
Classification: Uncertain significance for Mitochondrial hypertrophic cardiomyopathy with lactic acidosis due to MTO1 deficiency. Last evaluated: 2023-08-09. Review status: criteria provided, single submitter. Criteria: Invitae Variant Classification Sherloc (09022015). Collection method: clinical testing. Allele origin: germline.
Comment: ClinVar contains an entry for this variant (Variation ID: 1717382). This variant has not been reported in the literature in individuals affected with MTO1-related conditions. This variant is not present in population databases (gnomAD no frequency). This sequence change replaces proline, which is neutral and non-polar, with leucine, which is neutral and non-polar, at codon 387 of the MTO1 protein (p.Pro387Leu). Advanced modeling of protein sequence and biophysical properties (such as structural, functional, and spatial information, amino acid conservation, physicochemical variation, residue mobility, and thermodynamic stability) has been performed at Invitae for this missense variant, however the output from this modeling did not meet the statistical confidence thresholds required to predict the impact of this variant on MTO1 protein function. In summary, the available evidence is currently insufficient to determine the role of this variant in disease. Therefore, it has been classified as a Variant of Uncertain Significance.